The following is an entry in ClinVar:

ClinVar aggregate classification (germline): Uncertain significance (1 of 4 stars; one submission).

Conditions:
Chédiak-Higashi syndrome (CHS). Also called: Chediak-Higashi Syndrome. Identifiers: Orphanet 167, MedGen C0007965, MONDO:0008963, OMIM 214500.

Allele frequency attached by ClinVar (database versions not stated): gnomAD exomes below 0.00001; gnomAD 0.00001; TOPMed 0.00001.
gnomAD v4.1: 6 of 1,611,454 alleles (0.00037%); highest among the groups gnomAD compares: Non-Finnish European, 0.00051%; no homozygotes.

Submission:

Labcorp Genetics (formerly Invitae), Labcorp
Classification: Uncertain significance for Chédiak-Higashi syndrome. Last evaluated: 2022-05-04. Review status: criteria provided, single submitter. Criteria: Invitae Variant Classification Sherloc (09022015). Collection method: clinical testing. Allele origin: germline.
Comment: This sequence change replaces leucine, which is neutral and non-polar, with serine, which is neutral and polar, at codon 795 of the LYST protein (p.Leu795Ser). This variant is not present in population databases (gnomAD no frequency). This variant has not been reported in the literature in individuals affected with LYST-related conditions. Algorithms developed to predict the effect of missense changes on protein structure and function (SIFT, PolyPhen-2, Align-GVGD) all suggest that this variant is likely to be tolerated. In summary, the available evidence is currently insufficient to determine the role of this variant in disease. Therefore, it has been classified as a Variant of Uncertain Significance.

NM_000081.4(LYST):c.2384T>C (p.Leu795Ser)

Gene: LYST (lysosomal trafficking regulator; minus strand). Cytogenetic location: 1q42.3.
Variant type: single nucleotide variant.
Coding change: c.2384T>C on transcript NM_000081.4 (MANE Select); coding-DNA position 2384, T replaced by C.
Protein change: p.Leu795Ser; replaces leucine 795 with serine.
Molecular consequence: missense variant.
Genome position (GRCh38, 1-based): chr1:235,806,752, A>G on the plus strand (T>C on the coding strand, the complement: LYST is on the minus strand). VCF-style: chr1-235806752-A-G. GRCh37 (hg19) VCF-style: chr1-235970052-A-G.
Other names: c.2384T>C, p.Leu795Ser (NM_001301365.1); short protein forms L795S.
Identifiers: ClinVar variation 1482843 (VCV001482843.6), dbSNP rs1297032110, ClinGen allele CA344957993.